The following is an entry in ClinVar:

NM_001271.4(CHD2):c.4644G>A (p.Leu1548=)

Gene: CHD2 (chromodomain helicase DNA binding protein 2; plus strand). Cytogenetic location: 15q26.1.
Variant type: single nucleotide variant.
Coding change: c.4644G>A on transcript NM_001271.4 (MANE Select); coding-DNA position 4644, G replaced by A.
Protein change: p.Leu1548=; no amino-acid change (leucine 1548 retained).
Molecular consequence: synonymous variant.
Genome position (GRCh38, 1-based): chr15:93,012,396, G>A. VCF-style: chr15-93012396-G-A. GRCh37 (hg19) VCF-style: chr15-93555626-G-A.
Identifiers: ClinVar variation 386455 (VCV000386455.17), dbSNP rs138836603, ClinGen allele CA7748522.

ClinVar aggregate classification (germline): Likely benign. Review status: criteria provided, multiple submitters, no conflicts (2 of 4 stars). 3 submissions from 3 submitters: Likely benign (3). Last evaluated 2026-06-28.

Conditions:
CHD2-related disorder. Also called: CHD2-related condition.
Developmental and epileptic encephalopathy 94 (DEE94). Also called: Epileptic encephalopathy, childhood-onset; CHD2-Related Neurodevelopmental Disorders. Identifiers: Orphanet 1942, Orphanet 2382, MedGen C3809278, MONDO:0014150, OMIM 615369.

Allele frequency attached by ClinVar (database versions not stated): ESP Exome Variant Server 0.00008; ExAC 0.00001; gnomAD exomes 0.00002 and 0.00003; TOPMed 0.00004; gnomAD 0.00005.
gnomAD v4.1: 47 of 1,607,326 alleles (0.0029%); highest among the groups gnomAD compares: Non-Finnish European, 0.0038%; no homozygotes.

Submissions (3):

PreventionGenetics, part of Exact Sciences
Classification: Likely benign for CHD2-related condition. Last evaluated: 2026-06-28. Review status: criteria provided, single submitter. Criteria: ACMG Guidelines, 2015. Collection method: clinical testing. Allele origin: germline.
Comment: This variant is classified as likely benign based on ACMG/AMP sequence variant interpretation guidelines (Richards et al. 2015 PMID: 25741868, with internal and published modifications).

Labcorp Genetics (formerly Invitae), Labcorp
Classification: Likely benign for Developmental and epileptic encephalopathy 94. Last evaluated: 2025-02-24. Review status: criteria provided, single submitter. Criteria: Invitae Variant Classification Sherloc (09022015). Collection method: clinical testing. Allele origin: germline.

GeneDx
Classification: Likely benign. Last evaluated: 2021-11-04. Review status: criteria provided, single submitter. Criteria: GeneDx Variant Classification Process June 2021. Collection method: clinical testing. Allele origin: germline. Affected: yes.